The following is an entry in ClinVar:

ClinVar aggregate classification (germline): Uncertain significance. Review status: criteria provided, multiple submitters, no conflicts (2 of 4 stars). 2 submissions from 2 submitters: Uncertain significance (2). Last evaluated 2025-09-20.

Conditions:
CCDC50-related disorder. Also called: CCDC50-related condition.

Submissions (2):

PreventionGenetics, part of Exact Sciences
Classification: Uncertain significance for CCDC50-related condition. Last evaluated: 2025-09-20. Review status: criteria provided, single submitter. Criteria: ACMG Guidelines, 2015. Collection method: clinical testing. Allele origin: germline.
Comment: The CCDC50 c.817G>T variant is predicted to result in the amino acid substitution p.Asp273Tyr. To our knowledge, this variant has not been reported in the literature or in a large population database (gnomAD), indicating this variant is rare. At this time, the clinical significance of this variant is uncertain due to the absence of conclusive functional and genetic evidence.

Ambry Genetics
Classification: Uncertain significance. Last evaluated: 2025-08-09. Review status: criteria provided, single submitter. Criteria: Ambry Variant Classification Scheme 2023. Collection method: clinical testing. Allele origin: germline.

NM_178335.3(CCDC50):c.817G>T (p.Asp273Tyr)

Gene: CCDC50 (coiled-coil domain containing 50; plus strand). Cytogenetic location: 3q28.
Variant type: single nucleotide variant.
Coding change: c.817G>T on transcript NM_178335.3 (MANE Select); coding-DNA position 817, G replaced by T.
Protein change: p.Asp273Tyr; replaces aspartic acid 273 with tyrosine.
Molecular consequence: missense variant. On other transcripts: intron variant (1).
Genome position (GRCh38, 1-based): chr3:191,375,430, G>T. VCF-style: chr3-191375430-G-T. GRCh37 (hg19) VCF-style: chr3-191093219-G-T.
Other names: c.449-4729G>T (NM_174908.4); short protein forms D273Y.
Identifiers: ClinVar variation 4221270 (VCV004221270.2).